The following is an entry in ClinVar:

ClinVar aggregate classification (germline): Uncertain significance (1 of 4 stars; one submission).

gnomAD v4.1: 5 of 1,536,562 alleles (0.00033%); highest among the groups gnomAD compares: African/African-American, 0.0055%; no homozygotes.

Submission:

Labcorp Genetics (formerly Invitae), Labcorp
Classification: Uncertain significance. Last evaluated: 2024-09-14. Review status: criteria provided, single submitter. Criteria: Invitae Variant Classification Sherloc (09022015). Collection method: clinical testing. Allele origin: germline.
Comment: This sequence change replaces methionine, which is neutral and non-polar, with isoleucine, which is neutral and non-polar, at codon 88 of the NEFH protein (p.Met88Ile). This variant is present in population databases (no rsID available, gnomAD 0.01%). This variant has not been reported in the literature in individuals affected with NEFH-related conditions. Experimental studies and prediction algorithms are not available or were not evaluated, and the functional significance of this variant is currently unknown. In summary, the available evidence is currently insufficient to determine the role of this variant in disease. Therefore, it has been classified as a Variant of Uncertain Significance.

NM_021076.4(NEFH):c.264G>C (p.Met88Ile)

Gene: NEFH (neurofilament heavy chain; plus strand). Cytogenetic location: 22q12.2.
Variant type: single nucleotide variant.
Coding change: c.264G>C on transcript NM_021076.4 (MANE Select); coding-DNA position 264, G replaced by C.
Protein change: p.Met88Ile; replaces methionine 88 with isoleucine.
Molecular consequence: missense variant.
Genome position (GRCh38, 1-based): chr22:29,480,526, G>C. VCF-style: chr22-29480526-G-C. GRCh37 (hg19) VCF-style: chr22-29876515-G-C.
Other names: short protein forms M88I.
Identifiers: ClinVar variation 3613099 (VCV003613099.2).